The following is an entry in ClinVar:

ClinVar aggregate classification (germline): Benign/Likely benign. Review status: criteria provided, multiple submitters, no conflicts (2 of 4 stars). 13 submissions from 12 submitters: Benign (7); Likely benign (2). 4 of the submissions do not count toward it. Last evaluated 2026-10-01.

Conditions:
SYNE1-related disorder. Also called: SYNE1-related disorders; SYNE1-related disease; SYNE1-related condition.
Arthrogryposis multiplex congenita 3, myogenic type. Also called: ARTHROGRYPOSIS MULTIPLEX CONGENITA, MYOGENIC TYPE. Identifiers: MedGen C5193121, MONDO:0032778, OMIM 618484.
Emery-Dreifuss muscular dystrophy 4, autosomal dominant (EDMD4). Also called: EMERY-DREIFUSS MUSCULAR DYSTROPHY 4 WITH VARIABLE FEATURES. Identifiers: Orphanet 261, MedGen C2751807, MONDO:0013071, OMIM 612998.
Autosomal recessive ataxia, Beauce type. Also called: Spinocerebellar ataxia, autosomal recessive 8; ATAXIA, RECESSIVE, OF BEAUCE; SYNE1-Related Autosomal Recessive Cerebellar Ataxia; SYNE1 Deficiency. Identifiers: Orphanet 88644, MedGen C1853116, MONDO:0012549, OMIM 610743.

Allele frequency attached by ClinVar (database versions not stated): 1000 Genomes Project 0.00679; 1000 Genomes Project 30x 0.00703; ExAC 0.00878; gnomAD 0.00890 and 0.00909; ESP Exome Variant Server 0.00900; gnomAD exomes 0.00900 and 0.01133; TOPMed 0.00904.
gnomAD v4.1: 17,829 of 1,613,908 alleles (1.1%); highest among the groups gnomAD compares: Non-Finnish European, 1.3%; 115 homozygotes.

Submissions (13):

CeGaT Center for Human Genetics Tuebingen
Classification: Benign. Last evaluated: 2026-10-01. Review status: criteria provided, single submitter. Criteria: CeGaT Center For Human Genetics Tuebingen Variant Classification Criteria Version 2. Collection method: clinical testing. Allele origin: germline. Affected: yes. Observed: 33 variant alleles.
Comment: SYNE1: BP4, BP7, BS1, BS2

Labcorp Genetics (formerly Invitae), Labcorp
Classification: Benign for Emery-Dreifuss muscular dystrophy 4, autosomal dominant; Autosomal recessive ataxia, Beauce type. Last evaluated: 2026-02-01. Review status: criteria provided, single submitter. Criteria: Invitae Variant Classification Sherloc (09022015). Collection method: clinical testing. Allele origin: germline.

Athena Diagnostics
Classification: Benign. Last evaluated: 2024-01-26. Review status: criteria provided, single submitter. Criteria: Athena Diagnostics Criteria. Collection method: clinical testing. Allele origin: unknown.

Fulgent Genetics
Classification: Likely benign for Autosomal recessive ataxia, Beauce type; Emery-Dreifuss muscular dystrophy 4, autosomal dominant; Arthrogryposis multiplex congenita 3, myogenic type. Last evaluated: 2022-02-11. Review status: criteria provided, single submitter. Criteria: ACMG Guidelines, 2015. Collection method: clinical testing. Allele origin: unknown.

Mayo Clinic Laboratories, Mayo Clinic
Classification: Benign. Last evaluated: 2018-06-21. Review status: criteria provided, single submitter. Criteria: ACMG Guidelines, 2015. Collection method: clinical testing. Allele origin: germline. Observed: 27 variant alleles.

Illumina Laboratory Services, Illumina
Classification: Benign for Emery-Dreifuss muscular dystrophy 4, autosomal dominant. Last evaluated: 2018-01-13. Review status: criteria provided, single submitter. Criteria: ICSL Variant Classification Criteria 13 December 2019. Collection method: clinical testing. Allele origin: germline.
Comment: This variant was observed in the ICSL laboratory as part of a predisposition screen in an ostensibly healthy population. It had not been previously curated by ICSL or reported in the Human Gene Mutation Database (HGMD: prior to June 1st, 2018), and was therefore a candidate for classification through an automated scoring system. Utilizing variant allele frequency, disease prevalence and penetrance estimates, and inheritance mode, an automated score was calculated to assess if this variant is too frequent to cause the disease. Based on the score and internal cut-off values, a variant classified as benign is not then subjected to further curation. The score for this variant resulted in a classification of benign for this disease.

Illumina Laboratory Services, Illumina
Classification: Benign for Autosomal recessive ataxia, Beauce type. Last evaluated: 2018-01-13. Review status: criteria provided, single submitter. Criteria: ICSL Variant Classification Criteria 13 December 2019. Collection method: clinical testing. Allele origin: germline.
Comment: the same text as in the submission from Illumina Laboratory Services, Illumina above.

GeneDx
Classification: Benign. Last evaluated: 2016-06-03. Review status: criteria provided, single submitter. Criteria: GeneDx Variant Classification (06012015). Collection method: clinical testing. Allele origin: germline. Affected: yes.
Comment: This variant is considered likely benign or benign based on one or more of the following criteria: it is a conservative change, it occurs at a poorly conserved position in the protein, it is predicted to be benign by multiple in silico algorithms, and/or has population frequency not consistent with disease.

Breakthrough Genomics
Classification: Likely benign. Review status: criteria provided, single submitter. Criteria: ACMG Guidelines, 2015. Collection method: not provided. Allele origin: germline. Inheritance: Autosomal recessive inheritance. Affected: yes.

PreventionGenetics, part of Exact Sciences
Classification: Benign for SYNE1-related condition. Last evaluated: 2019-03-14. Review status: no assertion criteria provided. Collection method: clinical testing. Allele origin: germline. Not counted in ClinVar's aggregate classification.
Comment: This variant is classified as benign based on ACMG/AMP sequence variant interpretation guidelines (Richards et al. 2015 PMID: 25741868, with internal and published modifications).

Clinical Genetics DNA and cytogenetics Diagnostics Lab, Erasmus MC, Erasmus Medical Center
Classification: Likely benign. Review status: no assertion criteria provided. Collection method: clinical testing. Allele origin: germline. Affected: yes. Study: VKGL Data-share Consensus. Not counted in ClinVar's aggregate classification.

Clinical Genetics, Academic Medical Center
Classification: Benign. Review status: no assertion criteria provided. Collection method: clinical testing. Allele origin: germline. Affected: yes. Study: VKGL Data-share Consensus. Not counted in ClinVar's aggregate classification.

Genetic Services Laboratory, University of Chicago
Classification: Likely benign for AllHighlyPenetrant. Review status: no assertion criteria provided. Collection method: clinical testing. Allele origin: germline. Inheritance: Autosomal dominant inheritance. Not counted in ClinVar's aggregate classification.
Comment: Likely benign based on allele frequency in 1000 Genomes Project or ESP global frequency and its presence in a patient with a rare or unrelated disease phenotype. NOT Sanger confirmed.

NM_182961.4(SYNE1):c.3804G>A (p.Leu1268=)

Gene: SYNE1 (spectrin repeat containing nuclear envelope protein 1; minus strand). Cytogenetic location: 6q25.2.
Variant type: single nucleotide variant.
Coding change: c.3804G>A on transcript NM_182961.4 (MANE Select); coding-DNA position 3804, G replaced by A.
Protein change: p.Leu1268=; no amino-acid change (leucine 1268 retained).
Molecular consequence: synonymous variant.
Genome position (GRCh38, 1-based): chr6:152,444,444, C>T on the plus strand (G>A on the coding strand, the complement: SYNE1 is on the minus strand). VCF-style: chr6-152444444-C-T. GRCh37 (hg19) VCF-style: chr6-152765579-C-T.
Other names: p.Leu1275=; c.3825G>A, p.Leu1275= (NM_033071.5).
Identifiers: ClinVar variation 130441 (VCV000130441.52), dbSNP rs139524103, ClinGen allele CA155465.